The following is an entry in ClinVar:

NM_001365999.1(SZT2):c.10036C>G (p.Pro3346Ala)

Gene: SZT2 (SZT2 subunit of KICSTOR complex; plus strand). Cytogenetic location: 1p34.2.
Variant type: single nucleotide variant.
Coding change: c.10036C>G on transcript NM_001365999.1 (MANE Select); coding-DNA position 10036, C replaced by G.
Protein change: p.Pro3346Ala; replaces proline 3346 with alanine.
Molecular consequence: missense variant.
Genome position (GRCh38, 1-based): chr1:43,448,678, C>G. VCF-style: chr1-43448678-C-G. GRCh37 (hg19) VCF-style: chr1-43914349-C-G.
Other names: c.9865C>G, p.Pro3289Ala (NM_015284.4); short protein forms P3289A, P3346A.
Identifiers: ClinVar variation 1055972 (VCV001055972.9), dbSNP rs2153937044, ClinGen allele CA340046604.

ClinVar aggregate classification (germline): Uncertain significance (1 of 4 stars; one submission).

Submission:

Labcorp Genetics (formerly Invitae), Labcorp
Classification: Uncertain significance. Last evaluated: 2022-01-06. Review status: criteria provided, single submitter. Criteria: Invitae Variant Classification Sherloc (09022015). Collection method: clinical testing. Allele origin: germline.
Comment: In summary, the available evidence is currently insufficient to determine the role of this variant in disease. Therefore, it has been classified as a Variant of Uncertain Significance. Algorithms developed to predict the effect of missense changes on protein structure and function (SIFT, PolyPhen-2, Align-GVGD) all suggest that this variant is likely to be disruptive. ClinVar contains an entry for this variant (Variation ID: 1055972). This variant has not been reported in the literature in individuals affected with SZT2-related conditions. This variant is not present in population databases (gnomAD no frequency). This sequence change replaces proline, which is neutral and non-polar, with alanine, which is neutral and non-polar, at codon 3289 of the SZT2 protein (p.Pro3289Ala).